The following is an entry in ClinVar:

NM_015378.4(VPS13D):c.2780T>C (p.Leu927Ser)

Gene: VPS13D (vacuolar protein sorting 13 homolog D; plus strand). Cytogenetic location: 1p36.22.
Variant type: single nucleotide variant.
Coding change: c.2780T>C on transcript NM_015378.4 (MANE Select); coding-DNA position 2780, T replaced by C.
Protein change: p.Leu927Ser; replaces leucine 927 with serine.
Molecular consequence: missense variant.
Genome position (GRCh38, 1-based): chr1:12,276,368, T>C. VCF-style: chr1-12276368-T-C. GRCh37 (hg19) VCF-style: chr1-12336425-T-C.
Other names: c.2780T>C, p.Leu927Ser (NM_018156.4); c.2780T>C (NM_015378.2); short protein forms L927S.
Identifiers: ClinVar variation 1484593 (VCV001484593.9), dbSNP rs1408749063, ClinGen allele CA338472526.

ClinVar aggregate classification (germline): Uncertain significance. Review status: criteria provided, multiple submitters, no conflicts (2 of 4 stars). 2 submissions from 2 submitters: Uncertain significance (2). Last evaluated 2025-02-08.

Conditions:
Inborn genetic diseases. Identifiers: MedGen C0950123, MeSH D030342.

Allele frequency attached by ClinVar (database versions not stated): gnomAD exomes below 0.00001; TOPMed below 0.00001.
gnomAD v4.1: 6 of 1,614,168 alleles (0.00037%); highest among the groups gnomAD compares: East Asian, 0.0045%; no homozygotes.

Submissions (2):

Ambry Genetics
Classification: Uncertain significance for Inborn genetic diseases. Last evaluated: 2025-02-08. Review status: criteria provided, single submitter. Criteria: Ambry Variant Classification Scheme 2023. Collection method: clinical testing. Allele origin: germline.

Labcorp Genetics (formerly Invitae), Labcorp
Classification: Uncertain significance. Last evaluated: 2021-07-11. Review status: criteria provided, single submitter. Criteria: Invitae Variant Classification Sherloc (09022015). Collection method: clinical testing. Allele origin: germline.
Comment: This sequence change replaces leucine with serine at codon 927 of the VPS13D protein (p.Leu927Ser). The leucine residue is moderately conserved and there is a large physicochemical difference between leucine and serine. This variant is not present in population databases (ExAC no frequency). This variant has not been reported in the literature in individuals affected with VPS13D-related conditions. Algorithms developed to predict the effect of missense changes on protein structure and function are either unavailable or do not agree on the potential impact of this missense change (SIFT: "Not Available"; PolyPhen-2: "Probably Damaging"; Align-GVGD: "Not Available"). In summary, the available evidence is currently insufficient to determine the role of this variant in disease. Therefore, it has been classified as a Variant of Uncertain Significance.